The following is an entry in ClinVar:

ClinVar aggregate classification (germline): Likely benign. Review status: criteria provided, multiple submitters, no conflicts (2 of 4 stars). 2 submissions from 2 submitters: Likely benign (2). Last evaluated 2022-11-01.

Conditions:
Norman-Roberts syndrome (LIS2). Also called: Lissencephaly 2 (Norman-Roberts type). Identifiers: Orphanet 89844, MedGen C0796089, MONDO:0009760, OMIM 257320.
Familial temporal lobe epilepsy 7. Identifiers: Orphanet 101046, MedGen C4225327, MONDO:0014639, OMIM 616436.

Allele frequency attached by ClinVar (database versions not stated): gnomAD exomes below 0.00001; gnomAD 0.00001.
gnomAD v4.1: 6 of 1,611,144 alleles (0.00037%); highest among the groups gnomAD compares: Admixed American, 0.005%; no homozygotes.

Submissions (2):

Labcorp Genetics (formerly Invitae), Labcorp
Classification: Likely benign for Familial temporal lobe epilepsy 7; Norman-Roberts syndrome. Last evaluated: 2022-11-01. Review status: criteria provided, single submitter. Criteria: Invitae Variant Classification Sherloc (09022015). Collection method: clinical testing. Allele origin: germline.

GeneDx
Classification: Likely benign. Last evaluated: 2018-06-18. Review status: criteria provided, single submitter. Criteria: GeneDx Variant Classification (06012015). Collection method: clinical testing. Allele origin: germline. Affected: yes.
Comment: This variant is considered likely benign or benign based on one or more of the following criteria: it is a conservative change, it occurs at a poorly conserved position in the protein, it is predicted to be benign by multiple in silico algorithms, and/or has population frequency not consistent with disease.

NM_005045.4(RELN):c.1890T>C (p.Ser630=)

Gene: RELN (reelin; minus strand). Cytogenetic location: 7q22.1.
Variant type: single nucleotide variant.
Coding change: c.1890T>C on transcript NM_005045.4 (MANE Select); coding-DNA position 1890, T replaced by C.
Protein change: p.Ser630=; no amino-acid change (serine 630 retained).
Molecular consequence: synonymous variant.
Genome position (GRCh38, 1-based): chr7:103,651,663, A>G on the plus strand (T>C on the coding strand, the complement: RELN is on the minus strand). VCF-style: chr7-103651663-A-G. GRCh37 (hg19) VCF-style: chr7-103292110-A-G.
Other names: c.1890T>C, p.Ser630= (NM_173054.3).
Identifiers: ClinVar variation 669184 (VCV000669184.9), dbSNP rs1584377776, ClinGen allele CA457029887.